The following is an entry in ClinVar:

ClinVar aggregate classification (germline): Uncertain significance (1 of 4 stars; one submission).

Conditions:
3-methylcrotonyl-CoA carboxylase 1 deficiency (MCC1D). Also called: MCCD TYPE 1; METHYLCROTONYLGLYCINURIA TYPE I; MCC 1 deficiency; 3 Alpha methylcrotonylglycinuria 1. Identifiers: Orphanet 6, MedGen CN028786, MONDO:0008861, OMIM 210200.

Allele frequency attached by ClinVar (database versions not stated): ExAC 0.00001; gnomAD 0.00001; TOPMed 0.00001.
gnomAD v4.1: 5 of 1,613,716 alleles (0.00031%); highest among the groups gnomAD compares: Non-Finnish European, 0.00042%; no homozygotes.

Submission:

Labcorp Genetics (formerly Invitae), Labcorp
Classification: Uncertain significance for 3-methylcrotonyl-CoA carboxylase 1 deficiency. Last evaluated: 2024-10-15. Review status: criteria provided, single submitter. Criteria: Invitae Variant Classification Sherloc (09022015). Collection method: clinical testing. Allele origin: germline.
Comment: This sequence change replaces glycine, which is neutral and non-polar, with alanine, which is neutral and non-polar, at codon 146 of the MCCC1 protein (p.Gly146Ala). This variant is present in population databases (rs771446149, gnomAD 0.0009%). This variant has not been reported in the literature in individuals affected with MCCC1-related conditions. ClinVar contains an entry for this variant (Variation ID: 2076501). Invitae Evidence Modeling of protein sequence and biophysical properties (such as structural, functional, and spatial information, amino acid conservation, physicochemical variation, residue mobility, and thermodynamic stability) has been performed for this missense variant. However, the output from this modeling did not meet the statistical confidence thresholds required to predict the impact of this variant on MCCC1 protein function. In summary, the available evidence is currently insufficient to determine the role of this variant in disease. Therefore, it has been classified as a Variant of Uncertain Significance.

NM_020166.5(MCCC1):c.437G>C (p.Gly146Ala)

Gene: MCCC1 (methylcrotonyl-CoA carboxylase subunit 1; minus strand). Cytogenetic location: 3q27.1.
Variant type: single nucleotide variant.
Coding change: c.437G>C on transcript NM_020166.5 (MANE Select); coding-DNA position 437, G replaced by C.
Protein change: p.Gly146Ala; replaces glycine 146 with alanine.
Molecular consequence: missense variant. On other transcripts: non-coding transcript variant (2), intron variant (1).
Genome position (GRCh38, 1-based): chr3:183,072,420, C>G on the plus strand (G>C on the coding strand, the complement: MCCC1 is on the minus strand). VCF-style: chr3-183072420-C-G. GRCh37 (hg19) VCF-style: chr3-182790208-C-G.
Other names: c.110G>C, p.Gly37Ala (NM_001363880.1); c.141-1063G>C (NM_001293273.2); short protein forms G146A, G37A.
Identifiers: ClinVar variation 2076501 (VCV002076501.3), dbSNP rs771446149, ClinGen allele CA2719074.